The following is an entry in ClinVar:

ClinVar aggregate classification (germline): Uncertain significance (1 of 4 stars; one submission).

gnomAD v4.1: 6 of 1,544,460 alleles (0.00039%); highest among the groups gnomAD compares: East Asian, 0.0045%; no homozygotes.

Submission:

Labcorp Genetics (formerly Invitae), Labcorp
Classification: Uncertain significance. Last evaluated: 2025-03-20. Review status: criteria provided, single submitter. Criteria: Invitae Variant Classification Sherloc (09022015). Collection method: clinical testing. Allele origin: germline.
Comment: This sequence change replaces glycine, which is neutral and non-polar, with serine, which is neutral and polar, at codon 105 of the KCNK4 protein (p.Gly105Ser). This variant also falls at the last nucleotide of exon 3, which is part of the consensus splice site for this exon. The frequency data for this variant in the population databases is considered unreliable, as metrics indicate poor data quality at this position in the gnomAD database. This variant has not been reported in the literature in individuals affected with KCNK4-related conditions. An algorithm developed to predict the effect of missense changes on protein structure and function (PolyPhen-2) suggests that this variant is likely to be disruptive. Variants that disrupt the consensus splice site are a relatively common cause of aberrant splicing (PMID: 17576681, 9536098). Algorithms developed to predict the effect of sequence changes on RNA splicing suggest that this variant may disrupt the consensus splice site. In summary, the available evidence is currently insufficient to determine the role of this variant in disease. Therefore, it has been classified as a Variant of Uncertain Significance.

Literature cited by the submitters: PubMed 17576681; PubMed 9536098.

NM_033310.3(KCNK4):c.313G>A (p.Gly105Ser)

Genes: KCNK4 (potassium two pore domain channel subfamily K member 4; plus strand), KCNK4-CATSPERZ (KCNK4-CATSPERZ readthrough (NMD candidate); plus strand). Cytogenetic location: 11q13.1.
Variant type: single nucleotide variant.
Coding change: c.313G>A on transcript NM_033310.3 (MANE Select); coding-DNA position 313, G replaced by A.
Protein change: p.Gly105Ser; replaces glycine 105 with serine.
Molecular consequence: missense variant. On other transcripts: non-coding transcript variant (3).
Genome position (GRCh38, 1-based): chr11:64,297,001, G>A. VCF-style: chr11-64297001-G-A. GRCh37 (hg19) VCF-style: chr11-64064473-G-A.
Other names: c.313G>A, p.Gly105Ser (NM_001317090.2); short protein forms G105S.
Identifiers: ClinVar variation 3679590 (VCV003679590.2).
Genomic context (GRCh38, chr11:64,297,001, plus strand): 5'-CACTCAGCCTGGGACCTGGGCAGCGCCTTCTTTTTCTCAGGGACCATCATCACCACCATC[G>A]GTGGGGGAGGGGATTGGCATGTGGGGGGCGGCAAGGAGCTTCCTCATGGGGGAAGGTGCA-3'
Protein context (NP_201567.1, residues 95-115): FFSGTIITTI[Gly105Ser]YGNVALRTDA